The following is an entry in ClinVar:

NM_001042545.2(LTBP4):c.1300T>A (p.Ser434Thr)

Gene: LTBP4 (latent transforming growth factor beta binding protein 4; plus strand). Cytogenetic location: 19q13.2.
Variant type: single nucleotide variant.
Coding change: c.1300T>A on transcript NM_001042545.2 (MANE Select); coding-DNA position 1300, T replaced by A.
Protein change: p.Ser434Thr; replaces serine 434 with threonine.
Molecular consequence: missense variant.
Genome position (GRCh38, 1-based): chr19:40,608,363, T>A. VCF-style: chr19-40608363-T-A. GRCh37 (hg19) VCF-style: chr19-41114269-T-A.
Other names: c.1501T>A, p.Ser501Thr (NM_001042544.1); c.1390T>A, p.Ser464Thr (NM_003573.2); short protein forms S434T, S464T, S501T.
Identifiers: ClinVar variation 178780 (VCV000178780.16), dbSNP rs34545902, ClinGen allele CA183019.
Genomic context (GRCh38, chr19:40,608,363, plus strand): 5'-CAGGAGCCACCCCGAGTGTCACTCAGCCAGCCTCGTACCCTGCCAGCCACCTCTCGGCCA[T>A]CTGCAGGTGAGCTGGCTCTGGCAGAAGTGGGTGCCATCTTCAAGGGGCTGCCCCAGCCCC-3'
Protein context (NP_001036010.1, residues 424-444): PRTLPATSRP[Ser434Thr]AGFLPTHRLE

ClinVar aggregate classification (germline): Benign. Review status: criteria provided, multiple submitters, no conflicts (2 of 4 stars). 5 submissions from 5 submitters: Benign (5). Last evaluated 2026-02-02.

Conditions:
Cutis laxa with severe pulmonary, gastrointestinal and urinary anomalies. Also called: LTBP4-Related Cutis Laxa; URBAN-RIFKIN-DAVIS SYNDROME; Cutis laxa, autosomal recessive, type IC. Identifiers: Orphanet 221145, MedGen C2750804, MONDO:0013170, OMIM 613177. Disease mechanism: loss of function.

Allele frequency attached by ClinVar (database versions not stated): gnomAD exomes 0.00622 and 0.01226; ExAC 0.01453; gnomAD 0.04177 and 0.04499; ESP Exome Variant Server 0.04297; 1000 Genomes Project 0.04413; 1000 Genomes Project 30x 0.04669; TOPMed 0.04740.
gnomAD v4.1: 15,742 of 1,612,550 alleles (0.98%); highest among the groups gnomAD compares: African/African-American, 14%; 763 homozygotes.

Submissions (5):

Labcorp Genetics (formerly Invitae), Labcorp
Classification: Benign. Last evaluated: 2026-02-02. Review status: criteria provided, single submitter. Criteria: Invitae Variant Classification Sherloc (09022015). Collection method: clinical testing. Allele origin: germline.

Illumina Laboratory Services, Illumina
Classification: Benign for Cutis laxa with severe pulmonary, gastrointestinal and urinary anomalies. Last evaluated: 2018-01-13. Review status: criteria provided, single submitter. Criteria: ICSL Variant Classification Criteria 13 December 2019. Collection method: clinical testing. Allele origin: germline.
Comment: This variant was observed in the ICSL laboratory as part of a predisposition screen in an ostensibly healthy population. It had not been previously curated by ICSL or reported in the Human Gene Mutation Database (HGMD: prior to June 1st, 2018), and was therefore a candidate for classification through an automated scoring system. Utilizing variant allele frequency, disease prevalence and penetrance estimates, and inheritance mode, an automated score was calculated to assess if this variant is too frequent to cause the disease. Based on the score and internal cut-off values, a variant classified as benign is not then subjected to further curation. The score for this variant resulted in a classification of benign for this disease.

GeneDx
Classification: Benign. Last evaluated: 2016-10-20. Review status: criteria provided, single submitter. Criteria: GeneDx Variant Classification (06012015). Collection method: clinical testing. Allele origin: germline. Affected: yes.
Comment: This variant is considered likely benign or benign based on one or more of the following criteria: it is a conservative change, it occurs at a poorly conserved position in the protein, it is predicted to be benign by multiple in silico algorithms, and/or has population frequency not consistent with disease.

Laboratory for Molecular Medicine, Mass General Brigham Personalized Medicine
Classification: Benign. Last evaluated: 2013-02-21. Review status: criteria provided, single submitter. Criteria: LMM Criteria. Collection method: clinical testing. Allele origin: germline. Observed: 6 variant alleles.
Comment: Ser501Thr in exon 11 of LTBP4: This variant is not expected to have clinical sig nificance because it has been identified in 12.7% (509/4004) of African American chromosomes from a broad population by the NHLBI Exome Sequencing Project (dbSNP rs34545902).

Breakthrough Genomics
Classification: Benign. Review status: criteria provided, single submitter. Criteria: ACMG Guidelines, 2015. Collection method: not provided. Allele origin: germline. Inheritance: Autosomal recessive inheritance. Affected: yes.